The following is an entry in ClinVar:

NM_023110.3(FGFR1):c.1764_1774del (p.Ser588fs)

Gene: FGFR1 (fibroblast growth factor receptor 1; minus strand). Cytogenetic location: 8p11.23.
Variant type: Deletion.
Coding change: c.1764_1774del on transcript NM_023110.3 (MANE Select); coding-DNA positions 1764 to 1774, 11 bases deleted (CCACAACCCAG).
Protein change: p.Ser588fs; shifts the reading frame from serine 588.
Molecular consequence: frameshift variant.
Genome position (GRCh38, 1-based): chr8:38,415,950-38,415,960, CTGGGTTGTGG deleted on the plus strand (CCACAACCCAG on the coding strand, the reverse complement: FGFR1 is on the minus strand); deleting any 11 consecutive bases within chr8:38,415,950-38,415,965 gives the same sequence; the c. name uses the placement nearest the transcript's 3' end. VCF-style (leftmost placement, unchanged base first): chr8-38415949-TCTGGGTTGTGG-T. GRCh37 (hg19) VCF-style: chr8-38273467-TCTGGGTTGTGG-T.
Other names: c.1764_1774delCCACAACCCAG (NM_023110.2); c.1758_1768del, p.Ser586fs (NM_001174063.2, NM_001174065.2, NM_001354367.2 and 1 more transcripts); c.1734_1744del, p.Ser578fs (NM_001174064.2); c.1497_1507del, p.Ser499fs (NM_001174066.2, NM_023105.3); c.1857_1867del, p.Ser619fs (NM_001174067.2); c.1485_1495del, p.Ser495fs (NM_001354368.2); c.1752_1762del, p.Ser584fs (NM_001354369.2); c.1491_1501del, p.Ser497fs (NM_001354370.2, NM_023106.3); short protein forms S499fs, S588fs, S619fs, S584fs, S586fs, S495fs, S497fs, S578fs.
Identifiers: ClinVar variation 373103 (VCV000373103.7), dbSNP rs1057518218, ClinGen allele CA16042721.

ClinVar aggregate classification (germline): Pathogenic (1 of 4 stars; one submission).

Submission:

GeneDx
Classification: Pathogenic. Last evaluated: 2025-03-05. Review status: criteria provided, single submitter. Criteria: GeneDx Variant Classification Process June 2021. Collection method: clinical testing. Allele origin: germline. Affected: yes.
Comment: Frameshift variant predicted to result in protein truncation or nonsense mediated decay in a gene for which loss-of-function is a known mechanism of disease; Not observed at significant frequency in large population cohorts (gnomAD); Has not been previously published as pathogenic or benign to our knowledge